The following is an entry in ClinVar:

NC_000016.10:g.(?_78432468)_(78432772_?)del

Gene: WWOX (WW domain containing oxidoreductase; plus strand). Cytogenetic location: 16q23.1.
Variant type: Deletion.
Identifiers: ClinVar variation 540247 (VCV000540247.8).

ClinVar aggregate classification (germline): Likely pathogenic (1 of 4 stars; one submission).

Conditions:
Developmental and epileptic encephalopathy, 1 (DEE1). Also called: INFANTILE SPASM SYNDROME, X-LINKED 1; Epileptic encephalopathy, early infantile, 1; X-linked infantile spasms; West's syndrome; Tonic spasms with clustering, arrest of psychomotor development and hypsarrhythmia on EEG; X-Linked Infantile Spasm Syndrome. Identifiers: MedGen C3463992, MONDO:0010632, OMIM 308350. Disease mechanism: loss of function.
Autosomal recessive spinocerebellar ataxia 12. Also called: SPINOCEREBELLAR ATAXIA WITH MENTAL RETARDATION AND EPILEPSY. Identifiers: Orphanet 284282, MedGen C3280452, MONDO:0013687, OMIM 614322.

Submission:

Labcorp Genetics (formerly Invitae), Labcorp
Classification: Likely pathogenic for Developmental and epileptic encephalopathy, 1; Autosomal recessive spinocerebellar ataxia 12. Last evaluated: 2022-02-10. Review status: criteria provided, single submitter. Criteria: Invitae Variant Classification Sherloc (09022015). Collection method: clinical testing. Allele origin: germline.
Comment: This variant has not been reported in the literature in individuals affected with WWOX-related conditions. In summary, the currently available evidence indicates that the variant is pathogenic, but additional data are needed to prove that conclusively. Therefore, this variant has been classified as Likely Pathogenic. This variant disrupts the C-terminus of the WWOX protein. Other variant(s) that disrupt this region (p.Gly372*, p.Gln354*) have been observed in individuals with WWOX-related conditions (PMID: 29390993; Invitae). This suggests that this may be a clinically significant region of the protein. This variant is a gross deletion of the genomic region encompassing exon(s) 8 of the WWOX gene. While this deletion is not anticipated to lead to nonsense mediated decay, it is expected to disrupt the C-terminus of the protein.

Literature cited by the submitters: PubMed 29390993.